The following is an entry in ClinVar:

ClinVar aggregate classification (germline): Uncertain significance (1 of 4 stars; one submission).

Conditions:
Early Myoclonic Encephalopathy. Identifiers: MedGen C0270855.

Submission:

Labcorp Genetics (formerly Invitae), Labcorp
Classification: Uncertain significance for Early Myoclonic Encephalopathy. Last evaluated: 2024-02-23. Review status: criteria provided, single submitter. Criteria: Invitae Variant Classification Sherloc (09022015). Collection method: clinical testing. Allele origin: germline.
Comment: This sequence change replaces valine, which is neutral and non-polar, with isoleucine, which is neutral and non-polar, at codon 171 of the KCND2 protein (p.Val171Ile). This variant is not present in population databases (gnomAD no frequency). This variant has not been reported in the literature in individuals affected with KCND2-related conditions. ClinVar contains an entry for this variant (Variation ID: 1409708). Advanced modeling of protein sequence and biophysical properties (such as structural, functional, and spatial information, amino acid conservation, physicochemical variation, residue mobility, and thermodynamic stability) performed at Invitae indicates that this missense variant is not expected to disrupt KCND2 protein function with a negative predictive value of 80%. In summary, the available evidence is currently insufficient to determine the role of this variant in disease. Therefore, it has been classified as a Variant of Uncertain Significance.

NM_012281.3(KCND2):c.511G>A (p.Val171Ile)

Gene: KCND2 (potassium voltage-gated channel subfamily D member 2; plus strand). Cytogenetic location: 7q31.31.
Variant type: single nucleotide variant.
Coding change: c.511G>A on transcript NM_012281.3 (MANE Select); coding-DNA position 511, G replaced by A.
Protein change: p.Val171Ile; replaces valine 171 with isoleucine.
Molecular consequence: missense variant.
Genome position (GRCh38, 1-based): chr7:120,275,143, G>A. VCF-style: chr7-120275143-G-A. GRCh37 (hg19) VCF-style: chr7-119915197-G-A.
Other names: short protein forms V171I.
Identifiers: ClinVar variation 1409708 (VCV001409708.8), dbSNP rs2116243195, ClinGen allele CA369131766.